The following is an entry in ClinVar:

NM_016333.4(SRRM2):c.7647G>A (p.Ser2549=)

Gene: SRRM2 (serine/arginine repetitive matrix 2; plus strand). Cytogenetic location: 16p13.3.
Variant type: single nucleotide variant.
Coding change: c.7647G>A on transcript NM_016333.4 (MANE Select); coding-DNA position 7647, G replaced by A.
Protein change: p.Ser2549=; no amino-acid change (serine 2549 retained).
Molecular consequence: synonymous variant.
Genome position (GRCh38, 1-based): chr16:2,768,175, G>A. VCF-style: chr16-2768175-G-A. GRCh37 (hg19) VCF-style: chr16-2818176-G-A.
Identifiers: ClinVar variation 717380 (VCV000717380.10), dbSNP rs117364218, ClinGen allele CA7849144.

ClinVar aggregate classification (germline): Benign. Review status: criteria provided, multiple submitters, no conflicts (2 of 4 stars). 2 submissions from 2 submitters: Benign (2). Last evaluated 2026-02-01.

Allele frequency attached by ClinVar (database versions not stated): ESP Exome Variant Server 0.00031; gnomAD exomes 0.00071 and 0.00242; gnomAD 0.00091 and 0.00104; TOPMed 0.00145; ExAC 0.00231; 1000 Genomes Project 0.00240.
gnomAD v4.1: 1,228 of 1,612,736 alleles (0.076%); highest among the groups gnomAD compares: East Asian, 1.4%; 13 homozygotes.

Submissions (2):

CeGaT Center for Human Genetics Tuebingen
Classification: Benign. Last evaluated: 2026-02-01. Review status: criteria provided, single submitter. Criteria: CeGaT Center For Human Genetics Tuebingen Variant Classification Criteria Version 2. Collection method: clinical testing. Allele origin: germline. Affected: yes. Observed: 2 variant alleles.
Comment: SRRM2: BP4, BP7, BS1, BS2

Labcorp Genetics (formerly Invitae), Labcorp
Classification: Benign. Last evaluated: 2018-01-17. Review status: criteria provided, single submitter. Criteria: Invitae Variant Classification Sherloc (09022015). Collection method: clinical testing. Allele origin: germline.